The following is an entry in ClinVar:

NM_001999.4(FBN2):c.4259G>A (p.Ser1420Asn)

Gene: FBN2 (fibrillin 2; minus strand). Cytogenetic location: 5q23.3.
Variant type: single nucleotide variant.
Coding change: c.4259G>A on transcript NM_001999.4 (MANE Select); coding-DNA position 4259, G replaced by A.
Protein change: p.Ser1420Asn; replaces serine 1420 with asparagine.
Molecular consequence: missense variant.
Genome position (GRCh38, 1-based): chr5:128,330,659, C>T on the plus strand (G>A on the coding strand, the complement: FBN2 is on the minus strand). VCF-style: chr5-128330659-C-T. GRCh37 (hg19) VCF-style: chr5-127666351-C-T.
Other names: p.Ser1420Asn; short protein forms S1420N.
Identifiers: ClinVar variation 645128 (VCV000645128.18), dbSNP rs751406554, ClinGen allele CA3395020.

ClinVar aggregate classification (germline): Conflicting classifications of pathogenicity. Review status: criteria provided, conflicting classifications (1 of 4 stars). 6 submissions from 6 submitters: Uncertain significance (5); Likely benign (1). Last evaluated 2025-10-06.

Conditions:
Familial thoracic aortic aneurysm and aortic dissection (TAAD). Also called: Thoracic aortic aneurysms and dissections. Identifiers: Orphanet 91387, MedGen C4707243, MONDO:0019625.
Congenital contractural arachnodactyly (CCA). Also called: Beals-Hecht syndrome; Arthrogryposis, distal, type 9; BEALS SYNDROME. Identifiers: Orphanet 115, MedGen C0220668, MONDO:0007363, OMIM 121050.

Allele frequency attached by ClinVar (database versions not stated): ExAC 0.00002; gnomAD exomes 0.00002 and 0.00003; TOPMed 0.00002; gnomAD 0.00003 and 0.00004.
gnomAD v4.1: 45 of 1,613,756 alleles (0.0028%); highest among the groups gnomAD compares: Non-Finnish European, 0.0036%; no homozygotes.

Submissions (6):

Labcorp Genetics (formerly Invitae), Labcorp
Classification: Uncertain significance for Congenital contractural arachnodactyly. Last evaluated: 2025-10-06. Review status: criteria provided, single submitter. Criteria: Invitae Variant Classification Sherloc (09022015). Collection method: clinical testing. Allele origin: germline.
Comment: This sequence change replaces serine, which is neutral and polar, with asparagine, which is neutral and polar, at codon 1420 of the FBN2 protein (p.Ser1420Asn). This variant is present in population databases (rs751406554, gnomAD 0.004%). This missense change has been observed in individual(s) with thoracic aortic dilation (internal data). ClinVar contains an entry for this variant (Variation ID: 645128). Invitae Evidence Modeling of protein sequence and biophysical properties (such as structural, functional, and spatial information, amino acid conservation, physicochemical variation, residue mobility, and thermodynamic stability) indicates that this missense variant is not expected to disrupt FBN2 protein function with a negative predictive value of 80%. In summary, the available evidence is currently insufficient to determine the role of this variant in disease. Therefore, it has been classified as a Variant of Uncertain Significance.

Mayo Clinic Laboratories, Mayo Clinic
Classification: Uncertain significance. Last evaluated: 2025-09-19. Review status: criteria provided, single submitter. Criteria: ACMG Guidelines, 2015. Collection method: clinical testing. Allele origin: germline. Observed: 1 variant allele.
Comment: BS1

Blueprint Genetics
Classification: Likely benign. Last evaluated: 2024-09-03. Review status: criteria provided, single submitter. Criteria: ACMG Guidelines, 2015. Collection method: clinical testing. Allele origin: germline.

Ambry Genetics
Classification: Uncertain significance for Familial thoracic aortic aneurysm and aortic dissection. Last evaluated: 2024-07-02. Review status: criteria provided, single submitter. Criteria: Ambry Variant Classification Scheme 2023. Collection method: clinical testing. Allele origin: germline.
Comment: The p.S1420N variant (also known as c.4259G>A), located in coding exon 33 of the FBN2 gene, results from a G to A substitution at nucleotide position 4259. The serine at codon 1420 is replaced by asparagine, an amino acid with highly similar properties, and is located in the cbEGF-like #20 domain. This amino acid position is not well conserved in available vertebrate species. In addition, this alteration is predicted to be tolerated by in silico analysis. Based on the available evidence, the clinical significance of this variant remains unclear.

Revvity Omics, Revvity
Classification: Uncertain significance. Last evaluated: 2021-11-12. Review status: criteria provided, single submitter. Criteria: ACMG Guidelines, 2015. Collection method: clinical testing. Allele origin: germline.

GeneDx
Classification: Uncertain significance. Last evaluated: 2020-10-20. Review status: criteria provided, single submitter. Criteria: GeneDx Variant Classification Process June 2021. Collection method: clinical testing. Allele origin: germline. Affected: yes.
Comment: Has not been previously published as pathogenic or benign to our knowledge; Not observed at a significant frequency in large population cohorts (Lek et al., 2016); Reported in ClinVar as a variant of uncertain significance (ClinVar Variant ID# 645128; Landrum et al., 2016)